The following is an entry in ClinVar:

ClinVar aggregate classification (germline): Likely benign (1 of 4 stars; one submission).

Conditions:
Growth delay due to insulin-like growth factor I resistance. Also called: Somatomedin end-organ insensitivity to; Somatomedin-c resistance to; IGF-1 resistance; IGF-I RESISTANCE; Insulin-Like Growth Factor I Resistance. Identifiers: Orphanet 73273, MedGen C1849157, MONDO:0010038, OMIM 270450.

Allele frequency attached by ClinVar (database versions not stated): 1000 Genomes Project 30x 0.00312; 1000 Genomes Project 0.00319; gnomAD 0.00503 and 0.00511; TOPMed 0.00596; gnomAD exomes 0.00676.
gnomAD v4.1: 1,345 of 233,360 alleles (0.58%); highest among the groups gnomAD compares: Middle Eastern, 1.7%; 7 homozygotes.

Submission:

Illumina Laboratory Services, Illumina
Classification: Likely benign for Growth delay due to insulin-like growth factor I resistance. Last evaluated: 2018-01-12. Review status: criteria provided, single submitter. Criteria: ICSL Variant Classification Criteria 13 December 2019. Collection method: clinical testing. Allele origin: germline.
Comment: This variant was observed in the ICSL laboratory as part of a predisposition screen in an ostensibly healthy population. It had not been previously curated by ICSL or reported in the Human Gene Mutation Database (HGMD: prior to June 1st, 2018), and was therefore a candidate for classification through an automated scoring system. Utilizing variant allele frequency, disease prevalence and penetrance estimates, and inheritance mode, an automated score was calculated to assess if this variant is too frequent to cause the disease. Based on the score and internal cut-off values, a variant classified as likely benign is not then subjected to further curation. The score for this variant resulted in a classification of likely benign for this disease.

NM_000875.5(IGF1R):c.*4599C>T

Gene: IGF1R (insulin like growth factor 1 receptor; plus strand). Cytogenetic location: 15q26.3.
Variant type: single nucleotide variant.
Coding change: c.*4599C>T on transcript NM_000875.5 (MANE Select); 4599 bases downstream of the stop codon, C replaced by T.
Molecular consequence: 3 prime UTR variant.
Genome position (GRCh38, 1-based): chr15:98,962,041, C>T. VCF-style: chr15-98962041-C-T. GRCh37 (hg19) VCF-style: chr15-99505270-C-T.
Other names: c.*4599C>T (NM_001291858.2).
Identifiers: ClinVar variation 317586 (VCV000317586.5), dbSNP rs144947320, ClinGen allele CA10642765.